The following is an entry in ClinVar:

ClinVar aggregate classification (germline): Uncertain significance (0 of 4 stars; one submission).

Conditions:
BBS4-related disorder. Also called: BBS4-related condition.

gnomAD v4.1: 1 of 1,607,640 alleles (0.000062%); highest among the groups gnomAD compares: South Asian, 0.0011%; no homozygotes.

Submission:

PreventionGenetics, part of Exact Sciences
Classification: Uncertain significance for BBS4-related condition. Last evaluated: 2024-07-26. Review status: no assertion criteria provided. Collection method: clinical testing. Allele origin: germline.
Comment: The BBS4 c.225G>C variant is predicted to result in the amino acid substitution p.Leu75Phe. To our knowledge, this variant has not been reported in the literature or in a large population database, indicating this variant is rare. At this time, the clinical significance of this variant is uncertain due to the absence of conclusive functional and genetic evidence.

NM_033028.5(BBS4):c.225G>C (p.Leu75Phe)

Gene: BBS4 (Bardet-Biedl syndrome 4; plus strand). Cytogenetic location: 15q24.1.
Variant type: single nucleotide variant.
Coding change: c.225G>C on transcript NM_033028.5 (MANE Select); coding-DNA position 225, G replaced by C.
Protein change: p.Leu75Phe; replaces leucine 75 with phenylalanine.
Molecular consequence: missense variant. On other transcripts: 5 prime UTR variant (1), non-coding transcript variant (2).
Genome position (GRCh38, 1-based): chr15:72,715,295, G>C. VCF-style: chr15-72715295-G-C. GRCh37 (hg19) VCF-style: chr15-73007636-G-C.
Other names: c.-297G>C (NM_001252678.2); c.225G>C, p.Leu75Phe (NM_001320665.2); short protein forms L75F.
Identifiers: ClinVar variation 3344082 (VCV003344082.1).